The following is an entry in ClinVar:

NM_172107.4(KCNQ2):c.2545T>C (p.Cys849Arg)

Gene: KCNQ2 (potassium voltage-gated channel subfamily Q member 2; minus strand). Cytogenetic location: 20q13.33.
Variant type: single nucleotide variant.
Coding change: c.2545T>C on transcript NM_172107.4 (MANE Select); coding-DNA position 2545, T replaced by C.
Protein change: p.Cys849Arg; replaces cysteine 849 with arginine.
Molecular consequence: missense variant.
Genome position (GRCh38, 1-based): chr20:63,406,718, A>G on the plus strand (T>C on the coding strand, the complement: KCNQ2 is on the minus strand). VCF-style: chr20-63406718-A-G. GRCh37 (hg19) VCF-style: chr20-62038071-A-G.
Other names: c.2599T>C, p.Cys867Arg (NM_001382235.1); c.2488T>C, p.Cys830Arg (NM_001439003.1); c.2458T>C, p.Cys820Arg (NM_001439004.1); c.2461T>C, p.Cys821Arg (NM_004518.6); c.2491T>C, p.Cys831Arg (NM_172106.3); c.2452T>C, p.Cys818Arg (NM_172108.5); short protein forms C830R, C831R, C821R, C849R, C820R, C867R, C818R.
Identifiers: ClinVar variation 4772485 (VCV004772485.1).
Genomic context (GRCh38, chr20:63,406,718, plus strand): 5'-CGGCCCAGCCCACGTCACCAAAGGGACCCTCGCCGGTGGCCGAGCGTGGCGGGGGCCCGC[A>G]CGGGGTACAGAGGTCGGAGTCGGTGTCTGACTCTCCCTCCGCAATGTAGGGCCTGACTTT-3'
Protein context (NP_742105.1, residues 839-859): SDTDSDLCTP[Cys849Arg]GPPPRSATGE

ClinVar aggregate classification (germline): Uncertain significance (1 of 4 stars; one submission).

Conditions:
Early-infantile DEE. Also called: Early infantile epileptic encephalopathy with suppression bursts; Early infantile epileptic encephalopathy; Ohtahara syndrome. Identifiers: Orphanet 1934, MedGen C0393706, MONDO:0800491.

gnomAD v4.1: 1 of 1,605,186 alleles (0.000062%); highest among the groups gnomAD compares: Non-Finnish European, 0.000085%; no homozygotes.

Submission:

Labcorp Genetics (formerly Invitae), Labcorp
Classification: Uncertain significance for Early-infantile DEE. Last evaluated: 2025-04-08. Review status: criteria provided, single submitter. Criteria: Invitae Variant Classification Sherloc (09022015). Collection method: clinical testing. Allele origin: germline.
Comment: This sequence change replaces cysteine, which is neutral and slightly polar, with arginine, which is basic and polar, at codon 849 of the KCNQ2 protein (p.Cys849Arg). This variant is not present in population databases (gnomAD no frequency). This variant has not been reported in the literature in individuals affected with KCNQ2-related conditions. Invitae Evidence Modeling of protein sequence and biophysical properties (such as structural, functional, and spatial information, amino acid conservation, physicochemical variation, residue mobility, and thermodynamic stability) indicates that this missense variant is not expected to disrupt KCNQ2 protein function with a negative predictive value of 95%. In summary, the available evidence is currently insufficient to determine the role of this variant in disease. Therefore, it has been classified as a Variant of Uncertain Significance.